The following is an entry in ClinVar:

ClinVar aggregate classification (germline): Pathogenic/Likely pathogenic. Review status: criteria provided, multiple submitters, no conflicts (2 of 4 stars). 3 submissions from 3 submitters: Pathogenic (1); Likely pathogenic (1). 1 of the submissions does not count toward it. Last evaluated 2025-12-21.

Conditions:
Usher syndrome type 2. Also called: Usher Syndrome Type II. Identifiers: Orphanet 231178, MedGen C0339534, MONDO:0016484.
Retinitis pigmentosa 39 (RP39). Identifiers: Orphanet 791, MedGen C3151138, MONDO:0013436, OMIM 613809.

gnomAD v4.1: 2 of 1,614,142 alleles (0.00012%); highest among the groups gnomAD compares: Admixed American, 0.0017%; no homozygotes.

Submissions (3):

Labcorp Genetics (formerly Invitae), Labcorp
Classification: Pathogenic. Last evaluated: 2025-12-21. Review status: criteria provided, single submitter. Criteria: Invitae Variant Classification Sherloc (09022015). Collection method: clinical testing. Allele origin: germline.
Comment: This sequence change creates a premature translational stop signal (p.Cys2603*) in the USH2A gene. It is expected to result in an absent or disrupted protein product. Loss-of-function variants in USH2A are known to be pathogenic (PMID: 10729113, 10909849, 20507924, 25649381). This variant is not present in population databases (gnomAD no frequency). This premature translational stop signal has been observed in individual(s) with clinical features of USH2A-related conditions (PMID: 36819107). ClinVar contains an entry for this variant (Variation ID: 1723461). For these reasons, this variant has been classified as Pathogenic.

Baylor Genetics
Classification: Likely pathogenic for Retinitis pigmentosa 39. Last evaluated: 2023-12-06. Review status: criteria provided, single submitter. Criteria: ACMG Guidelines, 2015. Collection method: clinical testing. Allele origin: unknown.

Ophthalmo-Genetics Lab, Instituto de Oftalmologia Conde de Valenciana
Classification: Pathogenic for Usher syndrome type 2. Last evaluated: 2022-11-14. Review status: no assertion criteria provided. Collection method: clinical testing. Allele origin: germline. Inheritance: Autosomal recessive inheritance. Affected: yes. Observed: 1 compound heterozygote. Not counted in ClinVar's aggregate classification.
Comment: Novel pathogenic variant. PP4 (manual), PVS1, PM2.

Literature cited by the submitters: PubMed 10729113 (cited by Labcorp Genetics (formerly Invitae), Labcorp); PubMed 10909849 (cited by Labcorp Genetics (formerly Invitae), Labcorp); PubMed 20507924 (cited by Labcorp Genetics (formerly Invitae), Labcorp); PubMed 25649381 (cited by Labcorp Genetics (formerly Invitae), Labcorp); PubMed 36819107 (cited by Labcorp Genetics (formerly Invitae), Labcorp); PubMed 35076463 (cited by Ophthalmo-Genetics Lab, Instituto de Oftalmologia Conde de Valenciana).

NM_206933.4(USH2A):c.7809C>A (p.Cys2603Ter)

Gene: USH2A (usherin; minus strand). Cytogenetic location: 1q41.
Variant type: single nucleotide variant.
Coding change: c.7809C>A on transcript NM_206933.4 (MANE Select); coding-DNA position 7809, C replaced by A.
Protein change: p.Cys2603Ter; replaces cysteine 2603 with a stop codon.
Molecular consequence: nonsense.
Genome position (GRCh38, 1-based): chr1:215,888,840, G>T on the plus strand (C>A on the coding strand, the complement: USH2A is on the minus strand). VCF-style: chr1-215888840-G-T. GRCh37 (hg19) VCF-style: chr1-216062182-G-T.
Other names: short protein forms C2603*.
Identifiers: ClinVar variation 1723461 (VCV001723461.4), dbSNP rs766915522, ClinGen allele CA344839871.